The following is an entry in ClinVar:

ClinVar aggregate classification (germline): Likely pathogenic (1 of 4 stars; one submission).

Conditions:
Cranioectodermal dysplasia 1 (CED1). Also called: LEVIN SYNDROME I. Identifiers: Orphanet 1515, MedGen C0432235, MONDO:0021093, OMIM 218330.

Submission:

Labcorp Genetics (formerly Invitae), Labcorp
Classification: Likely pathogenic for Cranioectodermal dysplasia 1. Last evaluated: 2024-05-06. Review status: criteria provided, single submitter. Criteria: Invitae Variant Classification Sherloc (09022015). Collection method: clinical testing. Allele origin: germline.
Comment: This sequence change affects a donor splice site in intron 7 of the IFT122 gene. It is expected to disrupt RNA splicing. Variants that disrupt the donor or acceptor splice site typically lead to a loss of protein function (PMID: 16199547), and loss-of-function variants in IFT122 are known to be pathogenic (PMID: 20493458, 23826986, 26792575). This variant is not present in population databases (gnomAD no frequency). This variant has not been reported in the literature in individuals affected with IFT122-related conditions. ClinVar contains an entry for this variant (Variation ID: 1518574). Algorithms developed to predict the effect of sequence changes on RNA splicing suggest that this variant may disrupt the consensus splice site. In summary, the currently available evidence indicates that the variant is pathogenic, but additional data are needed to prove that conclusively. Therefore, this variant has been classified as Likely Pathogenic.

Literature cited by the submitters: PubMed 16199547; PubMed 20493458; PubMed 23826986; PubMed 26792575.

NM_052989.3(IFT122):c.416+2T>G

Gene: IFT122 (intraflagellar transport 122; plus strand). Cytogenetic location: 3q21.3.
Variant type: single nucleotide variant.
Coding change: c.416+2T>G on transcript NM_052989.3 (MANE Select); the canonical splice donor site of the intron after coding-DNA position 416, T replaced by G.
Molecular consequence: splice donor variant.
Genome position (GRCh38, 1-based): chr3:129,463,628, T>G. VCF-style: chr3-129463628-T-G. GRCh37 (hg19) VCF-style: chr3-129182471-T-G.
Other names: c.-35+2T>G (NM_001280545.2, NM_001280546.2); c.569+2T>G (NM_052985.4, NM_001280541.2); c.416+2T>G (NM_001410808.1, NM_001410809.1, NM_001410810.1 and 3 more transcripts); c.260+2T>G (NM_052990.3, NM_001410815.1, NM_001410817.1).
Identifiers: ClinVar variation 1518574 (VCV001518574.8), dbSNP rs2108101855, ClinGen allele CA354472021.